The following is an entry in ClinVar:

ClinVar aggregate classification (germline): Uncertain significance. Review status: criteria provided, multiple submitters, no conflicts (2 of 4 stars). 3 submissions from 3 submitters: Uncertain significance (3). Last evaluated 2026-05-05.

Conditions:
Inborn genetic diseases. Identifiers: MedGen C0950123, MeSH D030342.

Allele frequency attached by ClinVar (database versions not stated): gnomAD exomes below 0.00001.
gnomAD v4.1: 7 of 1,614,038 alleles (0.00043%); highest among the groups gnomAD compares: South Asian, 0.0044%; no homozygotes.

Submissions (3):

GeneDx
Classification: Uncertain significance. Last evaluated: 2026-05-05. Review status: criteria provided, single submitter. Criteria: GeneDx Variant Classification Process June 2021. Collection method: clinical testing. Allele origin: germline.
Comment: Not observed at significant frequency in large population cohorts (gnomAD); In silico analysis supports that this missense variant has a deleterious effect on protein structure/function; Has not been previously published as pathogenic or benign to our knowledge

Ambry Genetics
Classification: Uncertain significance for Inborn genetic diseases. Last evaluated: 2025-08-26. Review status: criteria provided, single submitter. Criteria: Ambry Variant Classification Scheme 2023. Collection method: clinical testing. Allele origin: germline.

Labcorp Genetics (formerly Invitae), Labcorp
Classification: Uncertain significance. Last evaluated: 2021-09-16. Review status: criteria provided, single submitter. Criteria: Invitae Variant Classification Sherloc (09022015). Collection method: clinical testing. Allele origin: germline.
Comment: This sequence change replaces glycine with aspartic acid at codon 3618 of the USH2A protein (p.Gly3618Asp). The glycine residue is highly conserved and there is a moderate physicochemical difference between glycine and aspartic acid. This variant is not present in population databases (ExAC no frequency). This variant has not been reported in the literature in individuals affected with USH2A-related conditions. Algorithms developed to predict the effect of missense changes on protein structure and function output the following: SIFT: "Tolerated"; PolyPhen-2: "Possibly Damaging"; Align-GVGD: "Class C0". The aspartic acid amino acid residue is found in multiple mammalian species, which suggests that this missense change does not adversely affect protein function. In summary, the available evidence is currently insufficient to determine the role of this variant in disease. Therefore, it has been classified as a Variant of Uncertain Significance.

NM_206933.4(USH2A):c.10853G>A (p.Gly3618Asp)

Gene: USH2A (usherin; minus strand). Cytogenetic location: 1q41.
Variant type: single nucleotide variant.
Coding change: c.10853G>A on transcript NM_206933.4 (MANE Select); coding-DNA position 10853, G replaced by A.
Protein change: p.Gly3618Asp; replaces glycine 3618 with aspartic acid.
Molecular consequence: missense variant.
Genome position (GRCh38, 1-based): chr1:215,779,929, C>T on the plus strand (G>A on the coding strand, the complement: USH2A is on the minus strand). VCF-style: chr1-215779929-C-T. GRCh37 (hg19) VCF-style: chr1-215953271-C-T.
Other names: c.10853G>A (NM_206933.2); short protein forms G3618D.
Identifiers: ClinVar variation 1931723 (VCV001931723.5), dbSNP rs1553261114, ClinGen allele CA344833749.